The following is an entry in ClinVar:

NM_000171.4(GLRA1):c.346T>A (p.Ser116Thr)

Gene: GLRA1 (glycine receptor alpha 1; minus strand). Cytogenetic location: 5q33.1.
Variant type: single nucleotide variant.
Coding change: c.346T>A on transcript NM_000171.4 (MANE Select); coding-DNA position 346, T replaced by A.
Protein change: p.Ser116Thr; replaces serine 116 with threonine.
Molecular consequence: missense variant.
Genome position (GRCh38, 1-based): chr5:151,859,915, A>T on the plus strand (T>A on the coding strand, the complement: GLRA1 is on the minus strand). VCF-style: chr5-151859915-A-T. GRCh37 (hg19) VCF-style: chr5-151239476-A-T.
Other names: c.346T>A, p.Ser116Thr (NM_001146040.2); c.97T>A, p.Ser33Thr (NM_001292000.2); short protein forms S116T, S33T.
Identifiers: ClinVar variation 937597 (VCV000937597.11), dbSNP rs932099226, ClinGen allele CA129991716.
Genomic context (GRCh38, chr5:151,859,915, plus strand): 5'-AGTGGGCCCCCTTCTCGTTGGCAAAGAACAGGTCAGGTTTCCAGATGGAGTCCAGCATGG[A>T]TGGGTCCAGGTCCAGAGAGTCGTCAGGGTATTCATTATAGGCCAGGCGGGGGTCGTTCCA-3'
Protein context (NP_000162.2, residues 106-126): YPDDSLDLDP[Ser116Thr]MLDSIWKPDL

ClinVar aggregate classification (germline): Uncertain significance. Review status: criteria provided, multiple submitters, no conflicts (2 of 4 stars). 3 submissions from 3 submitters: Uncertain significance (3). Last evaluated 2025-12-30.

Conditions:
Hereditary hyperekplexia. Identifiers: Orphanet 3197, MedGen C4084968, MONDO:0021022.
Inborn genetic diseases. Identifiers: MedGen C0950123, MeSH D030342.

gnomAD v4.1: 9 of 1,614,036 alleles (0.00056%); highest among the groups gnomAD compares: South Asian, 0.0022%; no homozygotes.

Submissions (3):

Ambry Genetics
Classification: Uncertain significance for Inborn genetic diseases. Last evaluated: 2025-12-30. Review status: criteria provided, single submitter. Criteria: Ambry Variant Classification Scheme 2023. Collection method: clinical testing. Allele origin: germline.

Women's Health and Genetics/Laboratory Corporation of America, LabCorp
Classification: Uncertain significance. Last evaluated: 2024-09-17. Review status: criteria provided, single submitter. Criteria: LabCorp Variant Classification Summary - May 2015. Collection method: clinical testing. Allele origin: germline.
Comment: Variant summary: GLRA1 c.346T>A (p.Ser116Thr) results in a conservative amino acid change located in the ligand-binding domain (IPR006202) of the encoded protein sequence. Three of five in-silico tools predict a benign effect of the variant on protein function. The variant allele was found at a frequency of 5.6e-06 in 1607062 control chromosomes in the gnomAD database (v4.1 dataset). The available data on variant occurrences in the general population are insufficient to allow any conclusion about variant significance. To our knowledge, no occurrence of c.346T>A in individuals affected with Hyperekplexia 1 and no experimental evidence demonstrating its impact on protein function have been reported. ClinVar contains an entry for this variant (Variation ID: 937597). Based on the evidence outlined above, the variant was classified as uncertain significance.

Labcorp Genetics (formerly Invitae), Labcorp
Classification: Uncertain significance for Hereditary hyperekplexia. Last evaluated: 2023-12-06. Review status: criteria provided, single submitter. Criteria: Invitae Variant Classification Sherloc (09022015). Collection method: clinical testing. Allele origin: germline.
Comment: This sequence change replaces serine, which is neutral and polar, with threonine, which is neutral and polar, at codon 116 of the GLRA1 protein (p.Ser116Thr). This variant is not present in population databases (gnomAD no frequency). This variant has not been reported in the literature in individuals affected with GLRA1-related conditions. ClinVar contains an entry for this variant (Variation ID: 937597). Advanced modeling of protein sequence and biophysical properties (such as structural, functional, and spatial information, amino acid conservation, physicochemical variation, residue mobility, and thermodynamic stability) has been performed at Invitae for this missense variant, however the output from this modeling did not meet the statistical confidence thresholds required to predict the impact of this variant on GLRA1 protein function. In summary, the available evidence is currently insufficient to determine the role of this variant in disease. Therefore, it has been classified as a Variant of Uncertain Significance.